The following is an entry in ClinVar:

NM_017672.6(TRPM7):c.2924G>A (p.Arg975His)

Gene: TRPM7 (transient receptor potential cation channel subfamily M member 7; minus strand). Cytogenetic location: 15q21.2.
Variant type: single nucleotide variant.
Coding change: c.2924G>A on transcript NM_017672.6 (MANE Select); coding-DNA position 2924, G replaced by A.
Protein change: p.Arg975His; replaces arginine 975 with histidine.
Molecular consequence: missense variant. On other transcripts: non-coding transcript variant (2).
Genome position (GRCh38, 1-based): chr15:50,604,930, C>T on the plus strand (G>A on the coding strand, the complement: TRPM7 is on the minus strand). VCF-style: chr15-50604930-C-T. GRCh37 (hg19) VCF-style: chr15-50897127-C-T.
Other names: c.2924G>A, p.Arg975His (NM_001301212.2); short protein forms R975H.
Identifiers: ClinVar variation 1050210 (VCV001050210.1), dbSNP rs748108650, ClinGen allele CA7557305.

ClinVar aggregate classification (germline): Uncertain significance (0 of 4 stars; one submission).

Allele frequency attached by ClinVar (database versions not stated): TOPMed 0.00002; gnomAD 0.00003 and 0.00004; ExAC 0.00004; gnomAD exomes 0.00004.
gnomAD v4.1: 86 of 1,612,996 alleles (0.0053%); highest among the groups gnomAD compares: Non-Finnish European, 0.0066%; no homozygotes.

Submission:

Department of Pathology and Laboratory Medicine, Sinai Health System
Classification: Uncertain significance. Review status: no assertion criteria provided. Collection method: clinical testing. Allele origin: unknown. Affected: yes. Study: The Canadian Open Genetics Repository (COGR).
Comment: The TRPM7 p.R975H variant was not identified in the literature nor was it identified in ClinVar or LOVD 3.0. The variant was identified in dbSNP (ID: rs748108650) and in Cosmic (confirmed somatically in large intestine adenocarcinoma with FATHMM prediction score of 0.99, pathogenic). The variant was also identified in control databases in 9 of 248708 chromosomes at a frequency of 0.000036 (Genome Aggregation Database March 6, 2019, v2.1.1). The variant was observed in the following populations: Other in 1 of 6018 chromosomes (freq: 0.000166), East Asian in 1 of 17960 chromosomes (freq: 0.000056), European (non-Finnish) in 6 of 112884 chromosomes (freq: 0.000053) and South Asian in 1 of 30540 chromosomes (freq: 0.000033), but was not observed in the African, Latino, Ashkenazi Jewish, or European (Finnish) populations. The p.Arg975 residue is conserved in mammals and computational analyses (PolyPhen-2, SIFT, AlignGVGD, BLOSUM, MutationTaster) provide inconsistent predictions regarding the impact to the protein; this information is not very predictive of pathogenicity. The variant occurs outside of the splicing consensus sequence and three of four in silico or computational prediction software programs (SpliceSiteFinder, MaxEntScan, NNSPLICE, GeneSplicer) do not predict a greater than 10% difference in splicing; this is not very predictive of pathogenicity. In summary, based on the above information the clinical significance of this variant cannot be determined with certainty at this time. This variant is classified as a variant of uncertain significance.